The following is an entry in ClinVar:

NM_182914.3(SYNE2):c.3416C>A (p.Ser1139Tyr)

Gene: SYNE2 (spectrin repeat containing nuclear envelope protein 2; plus strand). Cytogenetic location: 14q23.2.
Variant type: single nucleotide variant.
Coding change: c.3416C>A on transcript NM_182914.3 (MANE Select); coding-DNA position 3416, C replaced by A.
Protein change: p.Ser1139Tyr; replaces serine 1139 with tyrosine.
Molecular consequence: missense variant.
Genome position (GRCh38, 1-based): chr14:63,998,976, C>A. VCF-style: chr14-63998976-C-A. GRCh37 (hg19) VCF-style: chr14-64465694-C-A.
Other names: c.3416C>A, p.Ser1139Tyr (NM_015180.6); short protein forms S1139Y.
Identifiers: ClinVar variation 4738647 (VCV004738647.1).
Genomic context (GRCh38, chr14:63,998,976, plus strand): 5'-ATGATACATACAGAGATATTCTTGAACACCACCTGCAAAACAACAAATTCAGGATTACTT[C>A]TGATTTCTCTAGTGAAGAGGACAGGAGTAGTTCTTGTCTGCAGGCTAAACTGACAGATCT-3'
Protein context (NP_878918.2, residues 1129-1149): HLQNNKFRIT[Ser1139Tyr]DFSSEEDRSS

ClinVar aggregate classification (germline): Uncertain significance (1 of 4 stars; one submission).

Conditions:
Emery-Dreifuss muscular dystrophy 5, autosomal dominant (EDMD5). Also called: EMERY-DREIFUSS MUSCULAR DYSTROPHY 5. Identifiers: Orphanet 261, MedGen C2751805, MONDO:0013072, OMIM 612999.

Submission:

Labcorp Genetics (formerly Invitae), Labcorp
Classification: Uncertain significance for Emery-Dreifuss muscular dystrophy 5, autosomal dominant. Last evaluated: 2025-09-08. Review status: criteria provided, single submitter. Criteria: Invitae Variant Classification Sherloc (09022015). Collection method: clinical testing. Allele origin: germline.
Comment: This sequence change replaces serine, which is neutral and polar, with tyrosine, which is neutral and polar, at codon 1139 of the SYNE2 protein (p.Ser1139Tyr). This variant is present in population databases (no rsID available, gnomAD 0.003%). This variant has not been reported in the literature in individuals affected with SYNE2-related conditions. An algorithm developed to predict the effect of missense changes on protein structure and function (PolyPhen-2) suggests that this variant is likely to be disruptive. In summary, the available evidence is currently insufficient to determine the role of this variant in disease. Therefore, it has been classified as a Variant of Uncertain Significance.